The following is an entry in ClinVar:

ClinVar aggregate classification (germline): Uncertain significance (1 of 4 stars; one submission).

Conditions:
Hereditary cancer-predisposing syndrome. Also called: Hereditary neoplastic syndrome; Neoplastic Syndromes, Hereditary; Tumor predisposition; Hereditary Cancer Syndrome. Identifiers: Orphanet 140162, MedGen C0027672, MeSH D009386, MONDO:0015356.

Submission:

Ambry Genetics
Classification: Uncertain significance for Hereditary cancer-predisposing syndrome. Last evaluated: 2025-10-23. Review status: criteria provided, single submitter. Criteria: Ambry Variant Classification Scheme 2023. Collection method: clinical testing. Allele origin: germline.
Comment: The p.P202S variant (also known as c.604C>T), located in coding exon 6 of the BRCA2 gene, results from a C to T substitution at nucleotide position 604. The proline at codon 202 is replaced by serine, an amino acid with similar properties. This amino acid position is highly conserved in available vertebrate species. In addition, this alteration is predicted to be tolerated by in silico analysis. Since supporting evidence is limited at this time, the clinical significance of this alteration remains unclear.

NM_000059.4(BRCA2):c.604C>T (p.Pro202Ser)

Gene: BRCA2 (BRCA2 DNA repair associated; plus strand). Cytogenetic location: 13q13.1.
Variant type: single nucleotide variant.
Coding change: c.604C>T on transcript NM_000059.4 (MANE Select); coding-DNA position 604, C replaced by T.
Protein change: p.Pro202Ser; replaces proline 202 with serine.
Molecular consequence: missense variant.
Genome position (GRCh38, 1-based): chr13:32,326,586, C>T. VCF-style: chr13-32326586-C-T. GRCh37 (hg19) VCF-style: chr13-32900723-C-T.
Other names: short protein forms P202S.
Identifiers: ClinVar variation 185207 (VCV000185207.6), dbSNP rs786202001, ClinGen allele CA023569.
Genomic context (GRCh38, chr13:32,326,586, plus strand): 5'-GAAAGTCTAGGAGCTGAGGTGGATCCTGATATGTCTTGGTCAAGTTCTTTAGCTACACCA[C>T]CCACCCTTAGTTCTACTGTGCTCATAGGTAATAATAGCAAATGTGTATTTACAAGAAAGA-3'
Protein context (NP_000050.3, residues 192-212): MSWSSSLATP[Pro202Ser]TLSSTVLIVR